The following is an entry in ClinVar:

NM_001378477.3(NYX):c.379_380delinsAA (p.Ala127Lys)

Gene: NYX (nyctalopin; plus strand). Cytogenetic location: Xp11.4.
Variant type: Indel.
Coding change: c.379_380delinsAA on transcript NM_001378477.3 (MANE Select); coding-DNA positions 379 to 380, GC replaced by AA.
Protein change: p.Ala127Lys; replaces alanine 127 with lysine.
Molecular consequence: missense variant.
Genome position (GRCh38, 1-based): chrX:41,473,847-41,473,848, GC replaced by AA. VCF-style: chrX-41473847-GC-AA. GRCh37 (hg19) VCF-style: chrX-41333100-GC-AA.
Other names: c.379_380delinsAA, p.Ala127Lys (NM_022567.3); short protein forms A127K.
Identifiers: ClinVar variation 1510111 (VCV001510111.6), dbSNP rs2147025549, ClinGen allele CA2573158853.

ClinVar aggregate classification (germline): Uncertain significance (1 of 4 stars; one submission).

Submission:

Labcorp Genetics (formerly Invitae), Labcorp
Classification: Uncertain significance. Last evaluated: 2023-08-16. Review status: criteria provided, single submitter. Criteria: Invitae Variant Classification Sherloc (09022015). Collection method: clinical testing. Allele origin: germline.
Comment: This sequence change replaces alanine, which is neutral and non-polar, with lysine, which is basic and polar, at codon 132 of the NYX protein (p.Ala132Lys). In summary, the available evidence is currently insufficient to determine the role of this variant in disease. Therefore, it has been classified as a Variant of Uncertain Significance. An algorithm developed to predict the effect of missense changes on protein structure and function (PolyPhen-2) suggests that this variant is likely to be tolerated. ClinVar contains an entry for this variant (Variation ID: 1510111). This variant has not been reported in the literature in individuals affected with NYX-related conditions. This variant is present in population databases (no rsID available, gnomAD 0.004%).